The following is an entry in ClinVar:

NM_001077418.3(TMEM231):c.749G>C (p.Arg250Pro)

Gene: TMEM231 (transmembrane protein 231; minus strand). Cytogenetic location: 16q23.1.
Variant type: single nucleotide variant.
Coding change: c.749G>C on transcript NM_001077418.3 (MANE Select); coding-DNA position 749, G replaced by C.
Protein change: p.Arg250Pro; replaces arginine 250 with proline.
Molecular consequence: missense variant. On other transcripts: non-coding transcript variant (1).
Genome position (GRCh38, 1-based): chr16:75,541,371, C>G on the plus strand (G>C on the coding strand, the complement: TMEM231 is on the minus strand). VCF-style: chr16-75541371-C-G. GRCh37 (hg19) VCF-style: chr16-75575269-C-G.
Other names: c.908G>C, p.Arg303Pro (NM_001077416.2); short protein forms R250P, R303P.
Identifiers: ClinVar variation 1908648 (VCV001908648.6), dbSNP rs369010440, ClinGen allele CA396804220.

ClinVar aggregate classification (germline): Uncertain significance. Review status: criteria provided, multiple submitters, no conflicts (2 of 4 stars). 2 submissions from 2 submitters: Uncertain significance (2). Last evaluated 2024-10-26.

Conditions:
Joubert syndrome 20 (JBTS20). Identifiers: Orphanet 475, MedGen C3554235, MONDO:0013994, OMIM 614970.
Meckel syndrome, type 11 (MKS11). Identifiers: Orphanet 564, MedGen C3809352, MONDO:0014164, OMIM 615397.

Submissions (2):

Labcorp Genetics (formerly Invitae), Labcorp
Classification: Uncertain significance for Joubert syndrome 20; Meckel syndrome, type 11. Last evaluated: 2024-10-26. Review status: criteria provided, single submitter. Criteria: Invitae Variant Classification Sherloc (09022015). Collection method: clinical testing. Allele origin: germline.
Comment: This sequence change replaces arginine, which is basic and polar, with proline, which is neutral and non-polar, at codon 303 of the TMEM231 protein (p.Arg303Pro). This variant is not present in population databases (gnomAD no frequency). This variant has not been reported in the literature in individuals affected with TMEM231-related conditions. ClinVar contains an entry for this variant (Variation ID: 1908648). Experimental studies and prediction algorithms are not available or were not evaluated, and the functional significance of this variant is currently unknown. Algorithms developed to predict the effect of sequence changes on RNA splicing suggest that this variant may disrupt the consensus splice site. In summary, the available evidence is currently insufficient to determine the role of this variant in disease. Therefore, it has been classified as a Variant of Uncertain Significance.

Blueprint Genetics
Classification: Uncertain significance. Last evaluated: 2020-02-12. Review status: criteria provided, single submitter. Criteria: ACMG Guidelines, 2015. Collection method: clinical testing. Allele origin: germline.